The following is an entry in ClinVar:

ClinVar aggregate classification (germline): Uncertain significance (1 of 4 stars; one submission).

Conditions:
Cardiovascular phenotype. Identifiers: MedGen CN230736.

Submission:

Ambry Genetics
Classification: Uncertain significance for Cardiovascular phenotype. Last evaluated: 2025-12-02. Review status: criteria provided, single submitter. Criteria: Ambry Variant Classification Scheme 2023. Collection method: clinical testing. Allele origin: germline.
Comment: The p.N349S variant (also known as c.1046A>G), located in coding exon 5 of the GATA4 gene, results from an A to G substitution at nucleotide position 1046. The asparagine at codon 349 is replaced by serine, an amino acid with highly similar properties. This amino acid position is conserved. In addition, this alteration is predicted to be tolerated by in silico analysis. Based on the available evidence, the clinical significance of this variant remains unclear.

NM_001308093.3(GATA4):c.1049A>G (p.Asn350Ser)

Gene: GATA4 (GATA binding protein 4). Cytogenetic location: 8p23.1.
Variant type: single nucleotide variant.
Coding change: c.1049A>G on transcript NM_001308093.3 (MANE Select); coding-DNA position 1049, A replaced by G.
Protein change: p.Asn350Ser; replaces asparagine 350 with serine.
Molecular consequence: missense variant.
Genome position (GRCh38, 1-based): chr8:11,756,983, A>G. VCF-style: chr8-11756983-A-G. GRCh37 (hg19) VCF-style: chr8-11614492-A-G.
Other names: c.428A>G, p.Asn143Ser (NM_001308094.2, NM_001374273.1); c.302A>G, p.Asn101Ser (NM_001374274.1); c.1046A>G, p.Asn349Ser (NM_002052.5); short protein forms N143S, N349S, N101S, N350S.
Identifiers: ClinVar variation 4614236 (VCV004614236.1).